The following is an entry in ClinVar:

NM_018979.4(WNK1):c.5860A>G (p.Lys1954Glu)

Gene: WNK1 (WNK lysine deficient protein kinase 1; plus strand). Cytogenetic location: 12p13.33.
Variant type: single nucleotide variant.
Coding change: c.5860A>G on transcript NM_018979.4 (MANE Select); coding-DNA position 5860, A replaced by G.
Protein change: p.Lys1954Glu; replaces lysine 1954 with glutamic acid.
Molecular consequence: missense variant.
Genome position (GRCh38, 1-based): chr12:896,347, A>G. VCF-style: chr12-896347-A-G. GRCh37 (hg19) VCF-style: chr12-1005513-A-G.
Other names: c.6640A>G, p.Lys2214Glu (NM_001184985.2); c.5116A>G, p.Lys1706Glu (NM_014823.3); c.6616A>G, p.Lys2206Glu (NM_213655.5); short protein forms K1706E, K2206E, K2214E, K1954E.
Identifiers: ClinVar variation 2949533 (VCV002949533.3), dbSNP rs2497541262, ClinGen allele CA383335510.
Genomic context (GRCh38, chr12:896,347, plus strand): 5'-AAGTCAGACACTGGGCAGCCTACCAAGGTTGGACGTTTTCAGGTGACAACTACAGCAAAC[A>G]AAGTGGGTCGTTTCTCTGTATCAAAAACTGAGGACAAGATCACTGACACAAAGAAAGAAG-3'
Protein context (NP_061852.3, residues 1944-1964): GRFQVTTTAN[Lys1954Glu]VGRFSVSKTE

ClinVar aggregate classification (germline): Uncertain significance (1 of 4 stars; one submission).

Conditions:
Neuropathy, hereditary sensory and autonomic, type 2A (HSAN2A). Also called: HSAN IIA; WNK1-Related HSAN2 (HSAN2A); ACROOSTEOLYSIS, GIACCAI TYPE; ACROOSTEOLYSIS, NEUROGENIC; MORVAN DISEASE; NEUROPATHY, CONGENITAL SENSORY. Identifiers: Orphanet 970, MedGen C2752089, MONDO:0024309, OMIM 201300.
Pseudohypoaldosteronism type 2C (PHA2C). Also called: Pseudohypoaldosteronism Type IIC. Identifiers: Orphanet 757, Orphanet 88940, MedGen C1840391, MONDO:0013778, OMIM 614492.

Submission:

Labcorp Genetics (formerly Invitae), Labcorp
Classification: Uncertain significance for Neuropathy, hereditary sensory and autonomic, type 2A; Pseudohypoaldosteronism type 2C. Last evaluated: 2023-07-03. Review status: criteria provided, single submitter. Criteria: Invitae Variant Classification Sherloc (09022015). Collection method: clinical testing. Allele origin: germline.
Comment: In summary, the available evidence is currently insufficient to determine the role of this variant in disease. Therefore, it has been classified as a Variant of Uncertain Significance. Advanced modeling of protein sequence and biophysical properties (such as structural, functional, and spatial information, amino acid conservation, physicochemical variation, residue mobility, and thermodynamic stability) performed at Invitae indicates that this missense variant is not expected to disrupt WNK1 protein function. This variant has not been reported in the literature in individuals affected with WNK1-related conditions. This variant is not present in population databases (gnomAD no frequency). This sequence change replaces lysine, which is basic and polar, with glutamic acid, which is acidic and polar, at codon 2206 of the WNK1 protein (p.Lys2206Glu).